The following is an entry in ClinVar:

ClinVar aggregate classification (germline): Uncertain significance. Review status: criteria provided, multiple submitters, no conflicts (2 of 4 stars). 2 submissions from 2 submitters: Uncertain significance (2). Last evaluated 2025-02-08.

Conditions:
Peroxisome biogenesis disorder 2B (PBD2B). Identifiers: Orphanet 44, MedGen C3550234, MONDO:0008736, OMIM 202370.
Inborn genetic diseases. Identifiers: MedGen C0950123, MeSH D030342.

Allele frequency attached by ClinVar (database versions not stated): ExAC 0.00002; TOPMed 0.00001; gnomAD exomes 0.00002.
gnomAD v4.1: 12 of 1,614,012 alleles (0.00074%); highest among the groups gnomAD compares: Admixed American, 0.005%; no homozygotes.

Submissions (2):

Ambry Genetics
Classification: Uncertain significance for Inborn genetic diseases. Last evaluated: 2025-02-08. Review status: criteria provided, single submitter. Criteria: Ambry Variant Classification Scheme 2023. Collection method: clinical testing. Allele origin: germline.

Labcorp Genetics (formerly Invitae), Labcorp
Classification: Uncertain significance for Peroxisome biogenesis disorder 2B. Last evaluated: 2022-06-30. Review status: criteria provided, single submitter. Criteria: Invitae Variant Classification Sherloc (09022015). Collection method: clinical testing. Allele origin: germline.
Comment: This sequence change replaces serine, which is neutral and polar, with leucine, which is neutral and non-polar, at codon 235 of the PEX5 protein (p.Ser235Leu). This variant is present in population databases (rs752922748, gnomAD 0.009%). This variant has not been reported in the literature in individuals affected with PEX5-related conditions. ClinVar contains an entry for this variant (Variation ID: 1387577). Algorithms developed to predict the effect of missense changes on protein structure and function (SIFT, PolyPhen-2, Align-GVGD) all suggest that this variant is likely to be tolerated. In summary, the available evidence is currently insufficient to determine the role of this variant in disease. Therefore, it has been classified as a Variant of Uncertain Significance.

NM_001351132.2(PEX5):c.704C>T (p.Ser235Leu)

Gene: PEX5 (peroxisomal biogenesis factor 5; plus strand). Cytogenetic location: 12p13.31.
Variant type: single nucleotide variant.
Coding change: c.704C>T on transcript NM_001351132.2 (MANE Select); coding-DNA position 704, C replaced by T.
Protein change: p.Ser235Leu; replaces serine 235 with leucine.
Molecular consequence: missense variant. On other transcripts: intron variant (15).
Genome position (GRCh38, 1-based): chr12:7,202,302, C>T. VCF-style: chr12-7202302-C-T. GRCh37 (hg19) VCF-style: chr12-7354898-C-T.
Other names: c.704C>T, p.Ser235Leu (NM_000319.5, NM_001131025.2, NM_001131026.2 and 6 more transcripts); c.749C>T, p.Ser250Leu (NM_001131023.2); c.643-310C>T (NM_001351124.3, NM_001351126.2, NM_001374646.1 and 10 more transcripts); c.688-310C>T (NM_001351135.3, NM_001351138.2); c.704C>T (NM_001131025.1); short protein forms S235L, S250L.
Identifiers: ClinVar variation 1387577 (VCV001387577.4), dbSNP rs752922748, ClinGen allele CA6426242.
Genomic context (GRCh38, chr12:7,202,302, plus strand): 5'-TCCTGAAATTCGTGCGGCAGATTGGCGAAGGGCAGGTGTCCCTGGAGTCCGGTGCAGGGT[C>T]GGGCCGAGCTCAGGCAGAACAGTGGGCAGCAGAGTTTATACAGCAGCAGGTAGGACATTG-3'
Protein context (NP_001338061.1, residues 225-245): GQVSLESGAG[Ser235Leu]GRAQAEQWAA